The following is an entry in ClinVar:

NM_000718.4(CACNA1B):c.2376C>A (p.Asp792Glu)

Gene: CACNA1B (calcium voltage-gated channel subunit alpha1 B; plus strand). Cytogenetic location: 9q34.3.
Variant type: single nucleotide variant.
Coding change: c.2376C>A on transcript NM_000718.4 (MANE Select); coding-DNA position 2376, C replaced by A.
Protein change: p.Asp792Glu; replaces aspartic acid 792 with glutamic acid.
Molecular consequence: missense variant.
Genome position (GRCh38, 1-based): chr9:138,023,119, C>A. VCF-style: chr9-138023119-C-A. GRCh37 (hg19) VCF-style: chr9-140917571-C-A.
Other names: c.2376C>A, p.Asp792Glu (NM_001243812.2); short protein forms D792E.
Identifiers: ClinVar variation 3781069 (VCV003781069.2).

ClinVar aggregate classification (germline): Uncertain significance (1 of 4 stars; one submission).

gnomAD v4.1: 91 of 1,536,532 alleles (0.0059%); highest among the groups gnomAD compares: Non-Finnish European, 0.001%; no homozygotes.

Submission:

GeneDx
Classification: Uncertain significance. Last evaluated: 2025-06-20. Review status: criteria provided, single submitter. Criteria: GeneDx Variant Classification Process June 2021. Collection method: clinical testing. Allele origin: germline. Affected: yes.
Comment: In silico analysis suggests that this missense variant does not alter protein structure/function; Has not been previously published as pathogenic or benign to our knowledge